The following is an entry in ClinVar:

NM_001371986.1(UNC80):c.9742G>C (p.Glu3248Gln)

Gene: UNC80 (unc-80 subunit of NALCN channel complex; plus strand). Cytogenetic location: 2q34.
Variant type: single nucleotide variant.
Coding change: c.9742G>C on transcript NM_001371986.1 (MANE Select); coding-DNA position 9742, G replaced by C.
Protein change: p.Glu3248Gln; replaces glutamic acid 3248 with glutamine.
Molecular consequence: missense variant.
Genome position (GRCh38, 1-based): chr2:209,995,362, G>C. VCF-style: chr2-209995362-G-C. GRCh37 (hg19) VCF-style: chr2-210860086-G-C.
Other names: c.9544G>C, p.Glu3182Gln (NM_032504.2); c.9472G>C, p.Glu3158Gln (NM_182587.4); short protein forms E3182Q, E3248Q, E3158Q.
Identifiers: ClinVar variation 2128513 (VCV002128513.4), dbSNP rs1400301227, ClinGen allele CA350416201.
Genomic context (GRCh38, chr2:209,995,362, plus strand): 5'-ATAATGTTATGATCCTTTTGATCACAGAGTGAGAACTTCCCCACTGAAGAAGGAGAAAAG[G>C]AGGAGGACACAGAAGCACAAGGTGCTACTGCACACAGTCCACTCTCTGCCCAACTCTCTG-3'
Protein context (NP_001358915.1, residues 3238-3258): ENFPTEEGEK[Glu3248Gln]EDTEAQGATA

ClinVar aggregate classification (germline): Uncertain significance (1 of 4 stars; one submission).

Submission:

Labcorp Genetics (formerly Invitae), Labcorp
Classification: Uncertain significance. Last evaluated: 2022-04-20. Review status: criteria provided, single submitter. Criteria: Invitae Variant Classification Sherloc (09022015). Collection method: clinical testing. Allele origin: germline.
Comment: Algorithms developed to predict the effect of missense changes on protein structure and function are either unavailable or do not agree on the potential impact of this missense change (SIFT: "Not Available"; PolyPhen-2: "Benign"; Align-GVGD: "Not Available"). In summary, the available evidence is currently insufficient to determine the role of this variant in disease. Therefore, it has been classified as a Variant of Uncertain Significance. This variant has not been reported in the literature in individuals affected with UNC80-related conditions. This variant is not present in population databases (gnomAD no frequency). This sequence change replaces glutamic acid, which is acidic and polar, with glutamine, which is neutral and polar, at codon 3182 of the UNC80 protein (p.Glu3182Gln).